The following is an entry in ClinVar:

ClinVar aggregate classification (germline): Uncertain significance (1 of 4 stars; one submission).

gnomAD v4.1: 9 of 1,530,418 alleles (0.00059%); highest among the groups gnomAD compares: African/African-American, 0.0014%; no homozygotes.

Submission:

Labcorp Genetics (formerly Invitae), Labcorp
Classification: Uncertain significance. Last evaluated: 2023-12-11. Review status: criteria provided, single submitter. Criteria: Invitae Variant Classification Sherloc (09022015). Collection method: clinical testing. Allele origin: germline.
Comment: This sequence change replaces phenylalanine, which is neutral and non-polar, with valine, which is neutral and non-polar, at codon 2371 of the OTOG protein (p.Phe2371Val). This variant is present in population databases (no rsID available, gnomAD 0.002%). This variant has not been reported in the literature in individuals affected with OTOG-related conditions. ClinVar contains an entry for this variant (Variation ID: 2189729). An algorithm developed to predict the effect of missense changes on protein structure and function (PolyPhen-2) suggests that this variant is likely to be disruptive. In summary, the available evidence is currently insufficient to determine the role of this variant in disease. Therefore, it has been classified as a Variant of Uncertain Significance.

NM_001292063.2(OTOG):c.7075T>G (p.Phe2359Val)

Gene: OTOG (otogelin; plus strand). Cytogenetic location: 11p15.1.
Variant type: single nucleotide variant.
Coding change: c.7075T>G on transcript NM_001292063.2 (MANE Select); coding-DNA position 7075, T replaced by G.
Protein change: p.Phe2359Val; replaces phenylalanine 2359 with valine.
Molecular consequence: missense variant.
Genome position (GRCh38, 1-based): chr11:17,633,682, T>G. VCF-style: chr11-17633682-T-G. GRCh37 (hg19) VCF-style: chr11-17655229-T-G.
Other names: c.7111T>G, p.Phe2371Val (NM_001277269.2); short protein forms F2371V, F2359V.
Identifiers: ClinVar variation 2189729 (VCV002189729.4), dbSNP rs1468967391, ClinGen allele CA379811022.
Genomic context (GRCh38, chr11:17,633,682, plus strand): 5'-CAGTGGGGAGCCCTGCCTGGGGTCTGAGGTAGGCCTGGTGCCCACTGTGCCCCTGCAGCC[T>G]TCCTGTGCTCCAGCGACTCCACATACCAGGCATGTGTGACAGCCTGTGAGCCACCCAAGA-3'
Protein context (NP_001278992.1, residues 2349-2369): IEWRRSDYCP[Phe2359Val]LCSSDSTYQA